The following is an entry in ClinVar:

NM_005732.4(RAD50):c.2977C>G (p.His993Asp)

Gene: RAD50 (RAD50 double strand break repair protein; plus strand). Cytogenetic location: 5q31.1.
Variant type: single nucleotide variant.
Coding change: c.2977C>G on transcript NM_005732.4 (MANE Select); coding-DNA position 2977, C replaced by G.
Protein change: p.His993Asp; replaces histidine 993 with aspartic acid.
Molecular consequence: missense variant.
Genome position (GRCh38, 1-based): chr5:132,609,337, C>G. VCF-style: chr5-132609337-C-G. GRCh37 (hg19) VCF-style: chr5-131945029-C-G.
Other names: short protein forms H993D.
Identifiers: ClinVar variation 233864 (VCV000233864.11), dbSNP rs876660692, ClinGen allele CA10578588.
Genomic context (GRCh38, chr5:132,609,337, plus strand): 5'-TTGTAGCAAAAAGAAACTGAACTTAATAAAGTAATAGCTCAACTAAGTGAATGCGAGAAA[C>G]ACAAAGAAAAGATAAATGAAGATATGAGACTCATGAGACAAGATATTGATACACAGAAGG-3'
Protein context (NP_005723.2, residues 983-1003): VIAQLSECEK[His993Asp]KEKINEDMRL

ClinVar aggregate classification (germline): Uncertain significance. Review status: criteria provided, multiple submitters, no conflicts (2 of 4 stars). 2 submissions from 2 submitters: Uncertain significance (2). Last evaluated 2023-08-26.

Conditions:
Hereditary cancer-predisposing syndrome. Also called: Neoplastic Syndromes, Hereditary; Tumor predisposition; Hereditary Cancer Syndrome; Hereditary neoplastic syndrome. Identifiers: Orphanet 140162, MedGen C0027672, MeSH D009386, MONDO:0015356.

Submissions (2):

Ambry Genetics
Classification: Uncertain significance for Hereditary cancer-predisposing syndrome. Last evaluated: 2023-08-26. Review status: criteria provided, single submitter. Criteria: Ambry Variant Classification Scheme 2023. Collection method: clinical testing. Allele origin: germline.
Comment: The p.H993D variant (also known as c.2977C>G), located in coding exon 19 of the RAD50 gene, results from a C to G substitution at nucleotide position 2977. The histidine at codon 993 is replaced by aspartic acid, an amino acid with similar properties. This amino acid position is poorly conserved in available vertebrate species. In addition, this alteration is predicted to be tolerated by in silico analysis. Since supporting evidence is limited at this time, the clinical significance of this alteration remains unclear.

Labcorp Genetics (formerly Invitae), Labcorp
Classification: Uncertain significance for Hereditary cancer-predisposing syndrome. Last evaluated: 2021-10-28. Review status: criteria provided, single submitter. Criteria: Invitae Variant Classification Sherloc (09022015). Collection method: clinical testing. Allele origin: germline.
Comment: This sequence change replaces histidine, which is basic and polar, with aspartic acid, which is acidic and polar, at codon 993 of the RAD50 protein (p.His993Asp). This variant is not present in population databases (gnomAD no frequency). This variant has not been reported in the literature in individuals affected with RAD50-related conditions. ClinVar contains an entry for this variant (Variation ID: 233864). Algorithms developed to predict the effect of missense changes on protein structure and function are either unavailable or do not agree on the potential impact of this missense change (SIFT: "Deleterious"; PolyPhen-2: "Benign"; Align-GVGD: "Class C0"). In summary, the available evidence is currently insufficient to determine the role of this variant in disease. Therefore, it has been classified as a Variant of Uncertain Significance.